The following is an entry in ClinVar:

NM_000448.3(RAG1):c.1187G>A (p.Arg396His)

Gene: RAG1 (recombination activating 1; plus strand). Cytogenetic location: 11p12.
Variant type: single nucleotide variant.
Coding change: c.1187G>A on transcript NM_000448.3 (MANE Select); coding-DNA position 1187, G replaced by A.
Protein change: p.Arg396His; replaces arginine 396 with histidine.
Molecular consequence: missense variant.
Genome position (GRCh38, 1-based): chr11:36,574,491, G>A. VCF-style: chr11-36574491-G-A. GRCh37 (hg19) VCF-style: chr11-36596041-G-A.
Other names: NM_000448.3(RAG1):c.1187G>A; c.1187G>A, p.Arg396His (NM_001377277.1, NM_001377278.1, NM_001377279.1 and 1 more transcripts); short protein forms R396H.
Identifiers: ClinVar variation 13146 (VCV000013146.17), dbSNP rs104894291, ClinGen allele CA122895.

ClinVar aggregate classification (germline): Pathogenic. Review status: reviewed by expert panel (3 of 4 stars). 7 submissions from 6 submitters: Pathogenic (1). 6 of the submissions do not count toward it. Last evaluated 2026-01-15.

Conditions:
Recombinase activating gene 1 deficiency. Identifiers: MedGen CN375631, MONDO:0000572.
RAG1-related disorder. Also called: RAG1-related disorders; RAG1-related condition.
Severe combined immunodeficiency, autosomal recessive, T cell-negative, B cell-negative, NK cell-positive. Also called: SCID, AR, T-cell negative, B-cell negative, NK cell-positive; Severe combined immunodeficiency due to complete RAG1/2 deficiency; SCID, T CELL-NEGATIVE, B CELL-NEGATIVE, NK CELL-POSITIVE. Identifiers: Orphanet 331206, MedGen C1832322, MONDO:0011086, OMIM 601457.
Combined immunodeficiency with skin granulomas. Identifiers: Orphanet 157949, MedGen C2673536, MONDO:0009306, OMIM 233650.
Combined immunodeficiency due to partial RAG1 deficiency. Identifiers: Orphanet 231154, MedGen C1835931, MONDO:0012359, OMIM 609889.
Histiocytic medullary reticulosis. Also called: Omenn syndrome; SEVERE COMBINED IMMUNODEFICIENCY WITH HYPEREOSINOPHILIA. Identifiers: Orphanet 39041, MedGen C2700553, MONDO:0011338, OMIM 603554.

Allele frequency attached by ClinVar (database versions not stated): gnomAD 0.00001 and 0.00002; gnomAD exomes 0.00001 and 0.00002; ExAC 0.00002; TOPMed 0.00002.
gnomAD v4.1: 24 of 1,614,098 alleles (0.0015%); highest among the groups gnomAD compares: Middle Eastern, 0.016%; no homozygotes.

Submissions (7):

ClinGen Severe Combined Immunodeficiency Variant Curation Expert Panel, ClinGen
Classification: Pathogenic for Recombinase activating gene 1 deficiency. Last evaluated: 2026-01-15. Review status: reviewed by expert panel. Criteria: ClinGen SCID ACMG Specifications RAG1 V2.1.0. Collection method: curation. Allele origin: germline. Inheritance: Autosomal recessive inheritance.
Comment: The NM_000448.3:c.1187G>A variant in RAG1 is a missense variant predicted to cause substitution of Arginine by Histidine at amino acid 396 (p.Arg396His). The Grpmax Filtering allele frequency of this variant is 0.00001107 in gnomAD v4.1.0, which is lower than the ClinGen SCID-VCEP threshold (< 0.000102) for PM2, therefore, PM2_supporting is met. This variant was also identified in compound heterozygosity with another pathogenic RAG1 variant, c.536C>T (p.Arg142*) in the patient 3 diagnosed with atypical OS (1.0 point, PMID: 21131235). This p.Arg142* nonsense variant has been classified as pathogenic by the SCID VCEP (ClinVar Variation ID: 626157). Collectively, this three cases contribute 2.5 points towards PM3_Strong. Clinical and immunological data of the patient 3 (PMID: 21131235) has been reported in PMID: 17374134 , where lymphocyte subset analysis demonstrated a T(low)B-NK+ phenotype (0.5 point), together with Atypical OS diagnosis (0.5 point), meeting PP4 at the supporting level (total 1.0 point). The variant is located in the NBD domain (amino acid 394-460) of the RAG1 protein, which is critical to the protein function (PM1). An in vitro V(D)J recombination activity assay showed that the variant retains 0.6 +/- 0.1 % of wild type activity, supporting a damaging effect on the protein (PS3_Moderate, Data from Dr. Notarangelo lab). In addition, an alternative nucleotide change resulting in the same protein effect (c.1186C>T; p.Arg396Cys) has been classified as Pathogenic by SCID VCEP. In summary, this variant meets the criteria to be classified as pathogenic for SCID. ACMG/AMP criteria applied, as specified by the ClinGen SCID-VCEP: PS3_Strong, PM1, PM3, PM5, PM2_Supporting, PP4. (VCEP specifications version 2.1)

Labcorp Genetics (formerly Invitae), Labcorp
Classification: Pathogenic for Combined immunodeficiency with skin granulomas; Severe combined immunodeficiency, autosomal recessive, T cell-negative, B cell-negative, NK cell-positive. Last evaluated: 2026-01-24. Review status: criteria provided, single submitter. Criteria: Invitae Variant Classification Sherloc (09022015). Collection method: clinical testing. Allele origin: germline. Not counted in ClinVar's aggregate classification.
Comment: This sequence change replaces arginine, which is basic and polar, with histidine, which is basic and polar, at codon 396 of the RAG1 protein (p.Arg396His). This variant is present in population databases (rs104894291, gnomAD 0.005%). This missense change has been observed in individuals with Omenn syndrome (PMID: 9630231, 17075247, 19830075). This variant is also known as G1299A. ClinVar contains an entry for this variant (Variation ID: 13146). Invitae Evidence Modeling of protein sequence and biophysical properties (such as structural, functional, and spatial information, amino acid conservation, physicochemical variation, residue mobility, and thermodynamic stability) has been performed for this missense variant. However, the output from this modeling did not meet the statistical confidence thresholds required to predict the impact of this variant on RAG1 protein function. Experimental studies have shown that this missense change affects RAG1 function (PMID: 9630231, 21131235, 24290284). For these reasons, this variant has been classified as Pathogenic.

Fulgent Genetics
Classification: Pathogenic for Combined immunodeficiency with skin granulomas; Severe combined immunodeficiency, autosomal recessive, T cell-negative, B cell-negative, NK cell-positive; Histiocytic medullary reticulosis; Combined immunodeficiency due to partial RAG1 deficiency. Last evaluated: 2024-03-20. Review status: criteria provided, single submitter. Criteria: ACMG Guidelines, 2015. Collection method: clinical testing. Allele origin: germline. Not counted in ClinVar's aggregate classification.

Baylor Genetics
Classification: Pathogenic for Combined immunodeficiency due to partial RAG1 deficiency. Last evaluated: 2024-03-15. Review status: criteria provided, single submitter. Criteria: ACMG Guidelines, 2015. Collection method: clinical testing. Allele origin: unknown. Not counted in ClinVar's aggregate classification.

Blueprint Genetics
Classification: Pathogenic for RAG1-related disorders. Last evaluated: 2021-10-28. Review status: criteria provided, single submitter. Criteria: ACMG Guidelines, 2015. Collection method: clinical testing. Allele origin: germline. Affected: yes. Observed: 3 variant alleles. Not counted in ClinVar's aggregate classification.

Baylor Genetics
Classification: Pathogenic for Histiocytic medullary reticulosis. Last evaluated: 2020-06-03. Review status: criteria provided, single submitter. Criteria: ACMG Guidelines, 2015. Collection method: clinical testing. Allele origin: unknown. Affected: yes. Not counted in ClinVar's aggregate classification.
Comment: This variant was determined to be pathogenic according to ACMG Guidelines, 2015 [PMID:25741868].

OMIM
Classification: Pathogenic for OMENN SYNDROME. Last evaluated: 1998-05-29. Review status: no assertion criteria provided. Collection method: literature only. Allele origin: germline. Not counted in ClinVar's aggregate classification.

Literature cited by the submitters: PubMed 9630231 (cited by Labcorp Genetics (formerly Invitae), Labcorp and OMIM); PubMed 17075247 (cited by Labcorp Genetics (formerly Invitae), Labcorp); PubMed 19830075 (cited by Labcorp Genetics (formerly Invitae), Labcorp); PubMed 21131235 (cited by Labcorp Genetics (formerly Invitae), Labcorp); PubMed 24290284 (cited by Labcorp Genetics (formerly Invitae), Labcorp).